The following is an entry in ClinVar:

ClinVar aggregate classification (germline): Likely pathogenic (1 of 4 stars; one submission).

Conditions:
Glycogen storage disease, type V (GSD5). Also called: MCARDLE DISEASE; MUSCLE GLYCOGEN PHOSPHORYLASE DEFICIENCY; MYOPHOSPHORYLASE DEFICIENCY; PYGM DEFICIENCY; McArdle type glycogen storage disease. Identifiers: Orphanet 368, MedGen C0017924, MONDO:0009293, OMIM 232600.

Submission:

Labcorp Genetics (formerly Invitae), Labcorp
Classification: Likely pathogenic for Glycogen storage disease, type V. Last evaluated: 2023-10-14. Review status: criteria provided, single submitter. Criteria: Invitae Variant Classification Sherloc (09022015). Collection method: clinical testing. Allele origin: germline.
Comment: This sequence change affects a splice site in intron 11 of the PYGM gene. It is expected to disrupt RNA splicing. Variants that disrupt the donor or acceptor splice site typically lead to a loss of protein function (PMID: 16199547), and loss-of-function variants in PYGM are known to be pathogenic (PMID: 8316268, 16786513). This variant is not present in population databases (gnomAD no frequency). This variant has not been reported in the literature in individuals affected with PYGM-related conditions. Algorithms developed to predict the effect of sequence changes on RNA splicing suggest that this variant may disrupt the consensus splice site. In summary, the currently available evidence indicates that the variant is pathogenic, but additional data are needed to prove that conclusively. Therefore, this variant has been classified as Likely Pathogenic.

Literature cited by the submitters: PubMed 16199547; PubMed 8316268; PubMed 16786513.

NM_005609.4(PYGM):c.1403+1dup

Gene: PYGM (glycogen phosphorylase, muscle associated; minus strand). Cytogenetic location: 11q13.1.
Variant type: Duplication.
Coding change: c.1403+1dup on transcript NM_005609.4 (MANE Select); the canonical splice donor site of the intron after coding-DNA position 1403, one base duplicated (G; older notation c.1403+1dupG).
Molecular consequence: splice donor variant.
Genome position (GRCh38, 1-based): chr11:64,753,518, C duplicated on the plus strand (G on the coding strand, the reverse complement: PYGM is on the minus strand). VCF-style (leftmost placement, unchanged base first): chr11-64753517-A-AC. GRCh37 (hg19) VCF-style: chr11-64520989-A-AC.
Other names: c.1139+1dup (NM_001164716.1).
Identifiers: ClinVar variation 2768366 (VCV002768366.3), dbSNP rs2496656641, ClinGen allele CA2697548638.